The following is an entry in ClinVar:

NM_080680.3(COL11A2):c.4437C>T (p.Gly1479=)

Gene: COL11A2 (collagen type XI alpha 2 chain; minus strand). Cytogenetic location: 6p21.32.
Variant type: single nucleotide variant.
Coding change: c.4437C>T on transcript NM_080680.3 (MANE Select); coding-DNA position 4437, C replaced by T.
Protein change: p.Gly1479=; no amino-acid change (glycine 1479 retained).
Molecular consequence: synonymous variant.
Genome position (GRCh38, 1-based): chr6:33,165,976, G>A on the plus strand (C>T on the coding strand, the complement: COL11A2 is on the minus strand). VCF-style: chr6-33165976-G-A. GRCh37 (hg19) VCF-style: chr6-33133753-G-A.
Other names: c.4116C>T, p.Gly1372= (NM_080679.3); c.4179C>T, p.Gly1393= (NM_080681.3).
Identifiers: ClinVar variation 2058533 (VCV002058533.28), dbSNP rs771614270, ClinGen allele CA3750078.

ClinVar aggregate classification (germline): Likely benign. Review status: criteria provided, multiple submitters, no conflicts (2 of 4 stars). 2 submissions from 2 submitters: Likely benign (2). Last evaluated 2023-12-28.

Allele frequency attached by ClinVar (database versions not stated): ExAC 0.00001; gnomAD 0.00001.
gnomAD v4.1: 15 of 1,613,872 alleles (0.00093%); highest among the groups gnomAD compares: Non-Finnish European, 0.0012%; no homozygotes.

Submissions (2):

Labcorp Genetics (formerly Invitae), Labcorp
Classification: Likely benign. Last evaluated: 2023-12-28. Review status: criteria provided, single submitter. Criteria: Invitae Variant Classification Sherloc (09022015). Collection method: clinical testing. Allele origin: germline.

CeGaT Center for Human Genetics Tuebingen
Classification: Likely benign. Last evaluated: 2023-03-01. Review status: criteria provided, single submitter. Criteria: CeGaT Center For Human Genetics Tuebingen Variant Classification Criteria Version 2. Collection method: clinical testing. Allele origin: germline. Affected: yes. Observed: 1 variant allele.
Comment: COL11A2: BP4, BP7